The following is an entry in ClinVar:

NM_001277115.2(DNAH11):c.10259dup (p.Tyr3420Ter)

Gene: DNAH11 (dynein axonemal heavy chain 11; plus strand). Cytogenetic location: 7p15.3.
Variant type: Duplication.
Coding change: c.10259dup on transcript NM_001277115.2 (MANE Select); coding-DNA position 10259, one base duplicated (A; older notation c.10259dupA).
Protein change: p.Tyr3420Ter; replaces tyrosine 3420 with a stop codon.
Molecular consequence: nonsense. On other transcripts: frameshift variant (1).
Genome position (GRCh38, 1-based): chr7:21,807,976, A duplicated. VCF-style (leftmost placement, unchanged base first): chr7-21807975-T-TA. GRCh37 (hg19) VCF-style: chr7-21847593-T-TA.
Other names: c.10280dup, p.Tyr3427Terfs (NM_003777.3); short protein forms Y3420*.
Identifiers: ClinVar variation 2913935 (VCV002913935.3), dbSNP rs764414399, ClinGen allele CA4182298.
Genomic context (GRCh38, chr7:21,807,975, plus strand): 5'-TTTGAAGCTCAAGAGAAGACACTCTGTGGAGATGTTCTTCTCACGGCGGCATTTGTGTCT[T>TA]ACGTCGGACCCTTCACAAGGCAGTATCGCCAGGAGCTGGTGCACTGCAAGTGGGTTCCCT-3'

ClinVar aggregate classification (germline): Pathogenic (1 of 4 stars; one submission).

Conditions:
Primary ciliary dyskinesia. Also called: Ciliary dyskinesia. Identifiers: Orphanet 244, MedGen C0008780, MONDO:0016575, HP:0012265.

Allele frequency attached by ClinVar (database versions not stated): ExAC 0.00001; gnomAD exomes 0.00001.

Submission:

Labcorp Genetics (formerly Invitae), Labcorp
Classification: Pathogenic for Primary ciliary dyskinesia. Last evaluated: 2025-11-30. Review status: criteria provided, single submitter. Criteria: Invitae Variant Classification Sherloc (09022015). Collection method: clinical testing. Allele origin: germline.
Comment: This sequence change creates a premature translational stop signal (p.Tyr3420*) in the DNAH11 gene. It is expected to result in an absent or disrupted protein product. Loss-of-function variants in DNAH11 are known to be pathogenic (PMID: 18022865, 20513915, 22184204). This variant is present in population databases (rs764414399, gnomAD 0.002%). This variant has not been reported in the literature in individuals affected with DNAH11-related conditions. ClinVar contains an entry for this variant (Variation ID: 2913935). For these reasons, this variant has been classified as Pathogenic.

Literature cited by the submitters: PubMed 18022865; PubMed 20513915; PubMed 22184204.